The following is an entry in ClinVar:

ClinVar aggregate classification (germline): Pathogenic (1 of 4 stars; one submission).

Conditions:
ACCES syndrome (ACCES). Also called: APLASIA CUTIS CONGENITA WITH ECTRODACTYLY SKELETAL SYNDROME. Identifiers: MedGen C5677019, MONDO:0859262, OMIM 619959.

Submission:

Kasturba Medical College, Manipal, Kasturba Medical College, Manipal, Manipal Academy of Higher Education, Manipal, India
Classification: Pathogenic for ACCES syndrome. Review status: criteria provided, single submitter. Criteria: ACMG Guidelines, 2015. Collection method: clinical testing. Allele origin: de novo. Inheritance: Autosomal dominant inheritance. Affected: yes. Observed: 1 heterozygote.
Comment: This variant c.18del is observed in one individual in the gnomAD database (v4.0.0) in a heterozygous state. This variant is likely to cause a premature stop codon leading to either the formation of a truncated protein product or the transcript undergoing nonsense-mediated mRNA decay. Pathogenic variants in UBA2 are known to cause aplasia cutis congenita with ectrodactyly skeletal syndrome and the clinical features seen in the proband are in concordance with the condition.

NM_005499.3(UBA2):c.18del (p.Leu7fs)

Genes: UBA2 (ubiquitin like modifier activating enzyme 2; plus strand), LOC130064190 (ATAC-STARR-seq lymphoblastoid silent region 10502; plus strand). Cytogenetic location: 19q13.11.
Variant type: Deletion.
Coding change: c.18del on transcript NM_005499.3 (MANE Select); coding-DNA position 18, one base deleted (G; older notation c.18delG).
Protein change: p.Leu7fs; shifts the reading frame from leucine 7.
Molecular consequence: frameshift variant. On other transcripts: 5 prime UTR variant (1).
Genome position (GRCh38, 1-based): chr19:34,428,450, G deleted; the last of 5 consecutive G bases (chr19:34,428,446-34,428,450); deleting any one gives the same sequence. VCF-style (leftmost placement, unchanged base first): chr19-34428445-CG-C. GRCh37 (hg19) VCF-style: chr19-34919350-CG-C.
Other names: c.-365del (NM_001411139.1); short protein forms L7fs.
Identifiers: ClinVar variation 3257742 (VCV003257742.2).